The following is an entry in ClinVar:

NM_000321.3(RB1):c.1928_1929dup (p.Ser644fs)

Gene: RB1 (RB transcriptional corepressor 1; plus strand). Cytogenetic location: 13q14.2.
Variant type: Duplication.
Coding change: c.1928_1929dup on transcript NM_000321.3 (MANE Select); coding-DNA positions 1928 to 1929, 2 bases duplicated (AA; older notation c.1928_1929dupAA).
Protein change: p.Ser644fs; shifts the reading frame from serine 644.
Molecular consequence: frameshift variant.
Genome position (GRCh38, 1-based): chr13:48,456,317-48,456,318, AA duplicated; duplicating any 2 consecutive bases within chr13:48,456,316-48,456,318 gives the same sequence; the c. name uses the placement nearest the transcript's 3' end. VCF-style (leftmost placement, unchanged base first): chr13-48456315-G-GAA. GRCh37 (hg19) VCF-style: chr13-49030451-G-GAA.
Other names: c.1928_1929dup, p.Ser644Asnfs (NM_001407165.1); short protein forms S644fs.
Identifiers: ClinVar variation 2087460 (VCV002087460.4), dbSNP rs2542364289, ClinGen allele CA2580087590.

ClinVar aggregate classification (germline): Pathogenic (1 of 4 stars; one submission).

Conditions:
Retinoblastoma (RB1). Also called: RETINOBLASTOMA, SOMATIC. Identifiers: Orphanet 790, MedGen C0035335, MeSH D012175, MONDO:0008380, OMIM 180200, HP:0009919. Disease mechanism: loss of function. Inheritance: Both sporadic and heritable forms are tested..

Submission:

Labcorp Genetics (formerly Invitae), Labcorp
Classification: Pathogenic for Retinoblastoma. Last evaluated: 2022-02-13. Review status: criteria provided, single submitter. Criteria: Invitae Variant Classification Sherloc (09022015). Collection method: clinical testing. Allele origin: germline.
Comment: This variant is not present in population databases (gnomAD no frequency). This variant has not been reported in the literature in individuals affected with RB1-related conditions. For these reasons, this variant has been classified as Pathogenic. This sequence change creates a premature translational stop signal (p.Ser644Asnfs*15) in the RB1 gene. It is expected to result in an absent or disrupted protein product. Loss-of-function variants in RB1 are known to be pathogenic (PMID: 17096365).

Literature cited by the submitters: PubMed 17096365.